The following is an entry in ClinVar:

ClinVar aggregate classification (germline): Uncertain significance. Review status: criteria provided, multiple submitters, no conflicts (2 of 4 stars). 2 submissions from 2 submitters: Uncertain significance (2). Last evaluated 2024-06-07.

Conditions:
Hereditary cancer-predisposing syndrome. Also called: Tumor predisposition; Hereditary Cancer Syndrome; Hereditary neoplastic syndrome; Neoplastic Syndromes, Hereditary. Identifiers: Orphanet 140162, MedGen C0027672, MeSH D009386, MONDO:0015356.
Peutz-Jeghers syndrome (PJS). Also called: POLYPOSIS, HAMARTOMATOUS INTESTINAL; POLYPS-AND-SPOTS SYNDROME; Peutz-Jeghers polyposis; Periorificial lentiginosis syndrome. Identifiers: Orphanet 2869, MedGen C0031269, MeSH D010580, MONDO:0008280, OMIM 175200.

Submissions (2):

Ambry Genetics
Classification: Uncertain significance for Hereditary cancer-predisposing syndrome. Last evaluated: 2024-06-07. Review status: criteria provided, single submitter. Criteria: Ambry Variant Classification Scheme 2023. Collection method: clinical testing. Allele origin: germline.
Comment: The p.E33D variant (also known as c.99G>C), located in coding exon 1 of the STK11 gene, results from a G to C substitution at nucleotide position 99. The glutamic acid at codon 33 is replaced by aspartic acid, an amino acid with highly similar properties. This amino acid position is conserved. In addition, the in silico prediction for this alteration is inconclusive. Based on the available evidence, the clinical significance of this variant remains unclear.

Labcorp Genetics (formerly Invitae), Labcorp
Classification: Uncertain significance for Peutz-Jeghers syndrome. Last evaluated: 2022-01-15. Review status: criteria provided, single submitter. Criteria: Invitae Variant Classification Sherloc (09022015). Collection method: clinical testing. Allele origin: germline.
Comment: Advanced modeling of protein sequence and biophysical properties (such as structural, functional, and spatial information, amino acid conservation, physicochemical variation, residue mobility, and thermodynamic stability) performed at Invitae indicates that this missense variant is not expected to disrupt STK11 protein function. In summary, the available evidence is currently insufficient to determine the role of this variant in disease. Therefore, it has been classified as a Variant of Uncertain Significance. ClinVar contains an entry for this variant (Variation ID: 237809). This variant has not been reported in the literature in individuals affected with STK11-related conditions. This variant is not present in population databases (gnomAD no frequency). This sequence change replaces glutamic acid, which is acidic and polar, with aspartic acid, which is acidic and polar, at codon 33 of the STK11 protein (p.Glu33Asp).

NM_000455.5(STK11):c.99G>C (p.Glu33Asp)

Gene: STK11 (serine/threonine kinase 11; plus strand). Cytogenetic location: 19p13.3.
Variant type: single nucleotide variant.
Coding change: c.99G>C on transcript NM_000455.5 (MANE Select); coding-DNA position 99, G replaced by C.
Protein change: p.Glu33Asp; replaces glutamic acid 33 with aspartic acid.
Molecular consequence: missense variant.
Genome position (GRCh38, 1-based): chr19:1,207,012, G>C. VCF-style: chr19-1207012-G-C. GRCh37 (hg19) VCF-style: chr19-1207011-G-C.
Other names: short protein forms E33D.
Identifiers: ClinVar variation 237809 (VCV000237809.9), dbSNP rs863224363, ClinGen allele CA10583780.